The following is an entry in ClinVar:

ClinVar aggregate classification (germline): Conflicting classifications of pathogenicity. Review status: criteria provided, conflicting classifications (1 of 4 stars). 3 submissions from 3 submitters: Uncertain significance (1); Likely benign (1). 1 of the submissions does not count toward it. Last evaluated 2023-12-12.

Conditions:
PCNT-related disorder. Also called: PCNT-related condition.

Allele frequency attached by ClinVar (database versions not stated): gnomAD exomes below 0.00001; TOPMed 0.00002.
gnomAD v4.1: 18 of 1,612,188 alleles (0.0011%); highest among the groups gnomAD compares: Admixed American, 0.0033%; no homozygotes.

Submissions (3):

Labcorp Genetics (formerly Invitae), Labcorp
Classification: Likely benign. Last evaluated: 2023-12-12. Review status: criteria provided, single submitter. Criteria: Invitae Variant Classification Sherloc (09022015). Collection method: clinical testing. Allele origin: germline.

Eurofins Ntd Llc (ga)
Classification: Uncertain significance. Last evaluated: 2015-09-24. Review status: criteria provided, single submitter. Criteria: EGL Classification Definitions 2015. Collection method: clinical testing. Allele origin: germline. Observed: 1 variant allele, 1 heterozygote.

PreventionGenetics, part of Exact Sciences
Classification: Likely benign for PCNT-related condition. Last evaluated: 2023-04-26. Review status: no assertion criteria provided. Collection method: clinical testing. Allele origin: germline. Not counted in ClinVar's aggregate classification.
Comment: This variant is classified as likely benign based on ACMG/AMP sequence variant interpretation guidelines (Richards et al. 2015 PMID: 25741868, with internal and published modifications).

NM_006031.6(PCNT):c.24G>C (p.Arg8=)

Gene: PCNT (pericentrin; plus strand). Cytogenetic location: 21q22.3.
Variant type: single nucleotide variant.
Coding change: c.24G>C on transcript NM_006031.6 (MANE Select); coding-DNA position 24, G replaced by C.
Protein change: p.Arg8=; no amino-acid change (arginine 8 retained).
Molecular consequence: synonymous variant.
Genome position (GRCh38, 1-based): chr21:46,324,252, G>C. VCF-style: chr21-46324252-G-C. GRCh37 (hg19) VCF-style: chr21-47744166-G-C.
Other names: c.24G>C (NM_006031.5).
Identifiers: ClinVar variation 282936 (VCV000282936.14), dbSNP rs375279759, ClinGen allele CA10604350.
Genomic context (GRCh38, chr21:46,324,252, plus strand): 5'-CGTCACCGCCGGGCGGCCCGCGCGGAGTCTGAGGGAGATGGAAGTTGAGCAAGAGCAGCG[G>C]CGCAGAAAGGTGGAGGCCGGGAGGACGAAGGTAAACATTAGGGGCTTCTTCTCTAGCTGC-3'
Protein context (NP_006022.3, residues 1-18): MEVEQEQ[Arg8=]RRKVEAGRTK